The following is an entry in ClinVar:

ClinVar aggregate classification (germline): Likely pathogenic (1 of 4 stars; one submission).

Conditions:
Adult hypophosphatasia. Identifiers: Orphanet 247676, Orphanet 436, MedGen C0268413, MONDO:1010154, OMIM 146300, MONDO:0007798.

Submission:

Clinical Biomedical Laboratory, Shriners Hospital For Children - Canada
Classification: Likely pathogenic for Adult hypophosphatasia. Review status: criteria provided, single submitter. Criteria: ACMG Guidelines, 2015. Collection method: clinical testing. Allele origin: germline. Affected: yes.
Comment: Computational tools (REVEL: 0.815) suggest that the amino acid change has a deleterious effect on protein function. Defects in this gene are associated with hypophosphatasia, which is consistent with low serum alkaline phosphatase activity reported in the proband. This variant is absent in the Genome Aggregation Database (gnomAD v2.1.1), indicating it is very rare. This variant has not been submitted to ClinVar. However, two other missense variants affecting the same amino acid are listed in ClinVar as pathogenic or likely pathogenic.

NM_000478.6(ALPL):c.676A>T (p.Met226Leu)

Gene: ALPL (alkaline phosphatase, biomineralization associated; plus strand). Cytogenetic location: 1p36.12.
Variant type: single nucleotide variant.
Coding change: c.676A>T on transcript NM_000478.6 (MANE Select); coding-DNA position 676, A replaced by T.
Protein change: p.Met226Leu; replaces methionine 226 with leucine.
Molecular consequence: missense variant.
Genome position (GRCh38, 1-based): chr1:21,568,131, A>T. VCF-style: chr1-21568131-A-T. GRCh37 (hg19) VCF-style: chr1-21894624-A-T.
Other names: c.511A>T, p.Met171Leu (NM_001127501.4); c.445A>T, p.Met149Leu (NM_001177520.3); c.676A>T, p.Met226Leu (NM_001369803.2, NM_001369804.2, NM_001369805.2); short protein forms M149L, M171L, M226L.
Identifiers: ClinVar variation 4890686 (VCV004890686.1).